The following is an entry in ClinVar:

ClinVar aggregate classification (germline): Likely pathogenic (1 of 4 stars; one submission).

Conditions:
Dilated cardiomyopathy 1G (CMD1G). Identifiers: Orphanet 154, MedGen C1858763, MONDO:0011400, OMIM 604145.
Autosomal recessive limb-girdle muscular dystrophy type 2J (LGMDR10). Also called: Limb-girdle muscular dystrophy, type 2J; MUSCULAR DYSTROPHY, LIMB-GIRDLE, AUTOSOMAL RECESSIVE 10. Identifiers: Orphanet 140922, MedGen C1837342, MONDO:0012127, OMIM 608807.

Submission:

Labcorp Genetics (formerly Invitae), Labcorp
Classification: Likely pathogenic for Dilated cardiomyopathy 1G; Autosomal recessive limb-girdle muscular dystrophy type 2J. Last evaluated: 2021-04-30. Review status: criteria provided, single submitter. Criteria: Invitae Variant Classification Sherloc (09022015). Collection method: clinical testing. Allele origin: germline.
Comment: This sequence change creates a premature translational stop signal (p.Glu29480Argfs*11) in the TTN gene. While this is not anticipated to result in nonsense mediated decay, it is expected to create a truncated TTN protein. This variant is not present in population databases (ExAC no frequency). This variant has not been reported in the literature in individuals with TTN-related conditions. This variant is located in the A band of TTN (PMID: 25589632). Truncating variants in this region are significantly overrepresented in patients affected with dilated cardiomyopathy (PMID: 25589632). Truncating variants in this region have also been reported in individuals affected with autosomal recessive centronuclear myopathy (PMID: 23975875). In summary, the currently available evidence indicates that the variant is pathogenic, but additional data are needed to prove that conclusively. Therefore, this variant has been classified as Likely Pathogenic.

Literature cited by the submitters: PubMed 25589632; PubMed 23975875.

NM_001267550.2(TTN):c.88437dup (p.Glu29480fs)

Genes: TTN-AS1 (TTN antisense RNA 1; plus strand), TTN (titin; minus strand). Cytogenetic location: 2q31.2.
Variant type: Duplication.
Coding change: c.88437dup on transcript NM_001267550.2 (MANE Select); coding-DNA position 88437, one base duplicated (A; older notation c.88437dupA).
Protein change: p.Glu29480fs; shifts the reading frame from glutamic acid 29480.
Molecular consequence: frameshift variant.
Genome position (GRCh38, 1-based): chr2:178,555,022, T duplicated on the plus strand (A on the coding strand, the reverse complement: TTN is on the minus strand); the first of 3 consecutive T bases (chr2:178,555,022-178,555,024); duplicating any one gives the same sequence. VCF-style (leftmost placement, unchanged base first): chr2-178555021-C-CT. GRCh37 (hg19) VCF-style: chr2-179419748-C-CT.
Other names: c.83514dup, p.Glu27839fs (NM_001256850.1); c.61242dup, p.Glu20415fs (NM_003319.4); c.80733dup, p.Glu26912fs (NM_133378.4); c.61617dup, p.Glu20540fs (NM_133432.3); c.61818dup, p.Glu20607fs (NM_133437.4); short protein forms E26912fs, E27839fs, E29480fs, E20415fs, E20540fs, E20607fs.
Identifiers: ClinVar variation 1478797 (VCV001478797.8), dbSNP rs2154153430, ClinGen allele CA2573134111.